The following is an entry in ClinVar:

ClinVar aggregate classification (germline): Uncertain significance (1 of 4 stars; one submission).

Conditions:
Multiple epiphyseal dysplasia, Al-Gazali type. Also called: Macrocephaly with multiple epiphyseal dysplasia and distinctive facies. Identifiers: Orphanet 166024, MedGen C1846722, MONDO:0011778, OMIM 607131.

gnomAD v4.1: 1 of 1,613,492 alleles (0.000062%); highest among the groups gnomAD compares: South Asian, 0.0011%; no homozygotes.

Submission:

Baylor Genetics
Classification: Uncertain significance for Multiple epiphyseal dysplasia, Al-Gazali type. Last evaluated: 2018-04-18. Review status: criteria provided, single submitter. Criteria: ACMG Guidelines, 2015. Collection method: clinical testing. Allele origin: paternal. Affected: yes.
Comment: This variant was determined to be of uncertain significance according to ACMG Guidelines, 2015 [PMID:25741868].

NM_198525.3(KIF7):c.1894C>T (p.Pro632Ser)

Gene: KIF7 (kinesin family member 7; minus strand). Cytogenetic location: 15q26.1.
Variant type: single nucleotide variant.
Coding change: c.1894C>T on transcript NM_198525.3 (MANE Select); coding-DNA position 1894, C replaced by T.
Protein change: p.Pro632Ser; replaces proline 632 with serine.
Molecular consequence: missense variant.
Genome position (GRCh38, 1-based): chr15:89,645,921, G>A on the plus strand (C>T on the coding strand, the complement: KIF7 is on the minus strand). VCF-style: chr15-89645921-G-A. GRCh37 (hg19) VCF-style: chr15-90189152-G-A.
Other names: short protein forms P632S.
Identifiers: ClinVar variation 1033265 (VCV001033265.1), dbSNP rs1254624184, ClinGen allele CA393766355.